The following is an entry in ClinVar:

NM_003743.5(NCOA1):c.1342C>A (p.Gln448Lys)

Gene: NCOA1 (nuclear receptor coactivator 1; plus strand). Cytogenetic location: 2p23.3.
Variant type: single nucleotide variant.
Coding change: c.1342C>A on transcript NM_003743.5 (MANE Select); coding-DNA position 1342, C replaced by A.
Protein change: p.Gln448Lys; replaces glutamine 448 with lysine.
Molecular consequence: missense variant.
Genome position (GRCh38, 1-based): chr2:24,706,812, C>A. VCF-style: chr2-24706812-C-A. GRCh37 (hg19) VCF-style: chr2-24929681-C-A.
Other names: c.1342C>A, p.Gln448Lys (NM_001362950.1, NM_001362952.1, NM_001362954.1 and 3 more transcripts); short protein forms Q448K.
Identifiers: ClinVar variation 4985852 (VCV004985852.1).

ClinVar aggregate classification (germline): Uncertain significance (1 of 4 stars; one submission).

Conditions:
NCOA1-related disorder. Also called: NCOA1-related condition.

gnomAD v4.1: 14 of 1,614,060 alleles (0.00087%); highest among the groups gnomAD compares: Non-Finnish European, 0.0012%; no homozygotes.

Submission:

PreventionGenetics, part of Exact Sciences
Classification: Uncertain significance for NCOA1-related condition. Last evaluated: 2025-06-13. Review status: criteria provided, single submitter. Criteria: ACMG Guidelines, 2015. Collection method: clinical testing. Allele origin: germline.
Comment: The NCOA1 c.1342C>A variant is predicted to result in the amino acid substitution p.Gln448Lys. This variant was reported in an individual from a large cohort with severe obesity; however, no additional evidence was provided to support causation (Cacciottolo et al. 2022. PMID: 35137184). This variant is reported in 0.0026% of alleles in individuals of European (Non-Finnish) descent in gnomAD. At this time, the clinical significance of this variant is uncertain due to the absence of conclusive functional and genetic evidence.